The following is an entry in ClinVar:

NM_145038.5(DRC1):c.1151A>C (p.Gln384Pro)

Gene: DRC1 (dynein regulatory complex subunit 1; plus strand). Cytogenetic location: 2p23.3.
Variant type: single nucleotide variant.
Coding change: c.1151A>C on transcript NM_145038.5 (MANE Select); coding-DNA position 1151, A replaced by C.
Protein change: p.Gln384Pro; replaces glutamine 384 with proline.
Molecular consequence: missense variant.
Genome position (GRCh38, 1-based): chr2:26,444,344, A>C. VCF-style: chr2-26444344-A-C. GRCh37 (hg19) VCF-style: chr2-26667212-A-C.
Other names: short protein forms Q384P.
Identifiers: ClinVar variation 1936848 (VCV001936848.5), dbSNP rs1663796271, ClinGen allele CA346109639.
Genomic context (GRCh38, chr2:26,444,344, plus strand): 5'-AGGAGAACCAGTCTCTAACCTCGGACTACAAACGTCTTGTGATGCAATTCAAGGAGCTAC[A>C]GAAAGCCATGAGGTATCTTAAGGACTTGGTCCTAAGGCACTTGTCCTAGCATAGAGGTGA-3'
Protein context (NP_659475.2, residues 374-394): KRLVMQFKEL[Gln384Pro]KAMRHFALID

ClinVar aggregate classification (germline): Uncertain significance (1 of 4 stars; one submission).

Conditions:
Primary ciliary dyskinesia. Also called: Ciliary dyskinesia. Identifiers: Orphanet 244, MedGen C0008780, MONDO:0016575, HP:0012265.

Allele frequency attached by ClinVar (database versions not stated): TOPMed 0.00001.

Submission:

Labcorp Genetics (formerly Invitae), Labcorp
Classification: Uncertain significance for Primary ciliary dyskinesia. Last evaluated: 2022-10-25. Review status: criteria provided, single submitter. Criteria: Invitae Variant Classification Sherloc (09022015). Collection method: clinical testing. Allele origin: germline.
Comment: This sequence change replaces glutamine, which is neutral and polar, with proline, which is neutral and non-polar, at codon 384 of the DRC1 protein (p.Gln384Pro). This variant is not present in population databases (gnomAD no frequency). This variant has not been reported in the literature in individuals affected with DRC1-related conditions. Algorithms developed to predict the effect of missense changes on protein structure and function (SIFT, PolyPhen-2, Align-GVGD) all suggest that this variant is likely to be disruptive. In summary, the available evidence is currently insufficient to determine the role of this variant in disease. Therefore, it has been classified as a Variant of Uncertain Significance.